The following is an entry in ClinVar:

ClinVar aggregate classification (germline): Uncertain significance (1 of 4 stars; one submission).

Submission:

Dasa
Classification: Uncertain significance. Last evaluated: 2025-01-24. Review status: criteria provided, single submitter. Criteria: DASA Assertion Criteria. Collection method: clinical testing. Allele origin: germline.
Comment: NM_019892.6(INPP5E):c.1912A>G (p.Ser638Gly) is a missense variant that results in the substitution of serine with glycine. This variant has been observed in affected individuals with INPP5E-related disorders. Also, this variant is absent from population databases. The currently available literature and clinical evidence are not sufficient to establish a definitive association between this variant and the reported condition. Therefore, this variant is classified as a variant of uncertain significance.

NM_019892.6(INPP5E):c.1912A>G (p.Ser638Gly)

Gene: INPP5E (inositol polyphosphate-5-phosphatase E; minus strand). Cytogenetic location: 9q34.3.
Variant type: single nucleotide variant.
Coding change: c.1912A>G on transcript NM_019892.6 (MANE Select); coding-DNA position 1912, A replaced by G.
Protein change: p.Ser638Gly; replaces serine 638 with glycine.
Molecular consequence: missense variant.
Genome position (GRCh38, 1-based): chr9:136,429,698, T>C on the plus strand (A>G on the coding strand, the complement: INPP5E is on the minus strand). VCF-style: chr9-136429698-T-C. GRCh37 (hg19) VCF-style: chr9-139324150-T-C.
Other names: c.1909A>G, p.Ser637Gly (NM_001318502.2); short protein forms S637G, S638G.
Identifiers: ClinVar variation 4881466 (VCV004881466.2).